The following continues an entry in ClinVar:

NM_000257.4(MYH7):c.2539A>G (p.Lys847Glu)

ClinVar aggregate classification (germline): Pathogenic. Pathogenic (1).

Submissions 6 to 12 of 12:

All of Us Research Program, National Institutes of Health
Classification: Pathogenic for Hypertrophic cardiomyopathy. Last evaluated: 2024-09-03. Review status: criteria provided, single submitter. Criteria: ACMG Guidelines, 2015. Collection method: clinical testing. Allele origin: germline. Inheritance: Autosomal dominant inheritance. Observed: 1 variant allele, 1 heterozygote. Not counted in ClinVar's aggregate classification.
Comment: The c.2539A>G (p.Lys847Glu) variant in the MYH7 gene has been identified in numerous (>25) individuals affected with the consistent phenotype of hypertrophic cardiomyopathy (HCM) and segregated with disease in seven affected individuals from five families (PMID:10725281, 20031618, 21576279, 23782526, 27532257, 28615295, ClinGen review [ClinVar ID: 177757]). This variant lies in the established functional domain (amino acids 167-931) of the MYH7 protein without benign variations and missense variants in this region are statistically more likely to be disease-associated (PMID: 27532257, 27247418). This variant is found to be rare (2/1614202; 0.0001239%) in the general population database, gnomAD (v4.1.0) and interpreted as likely pathogenic/pathogenic by several submitters in the ClinVar database including the ClinGen cardiomyopathy variant curation expert panel (ClinVar ID:177757). Therefore, the c.2539A>G (p.Lys847Glu) variant in the MYH7 gene is classified as pathogenic.

This study involves interpretation of variants in research participants for the purpose of population health screening. Participant phenotype was not available at the time of variant classification. Additional details can be found in publication PMID: 35346344, PMCID: PMC8962531

Color Diagnostics, LLC DBA Color Health
Classification: Pathogenic for Cardiomyopathy. Last evaluated: 2024-07-16. Review status: criteria provided, single submitter. Criteria: ACMG Guidelines, 2015. Collection method: clinical testing. Allele origin: germline. Not counted in ClinVar's aggregate classification.
Comment: This missense variant replaces lysine with glutamic acid at codon 847 of the MYH7 protein. Computational prediction tools indicate that this variant has a deleterious impact on protein structure and function. This variant is found within a highly conserved region of the myosin head domain. Missense variants in this region have been shown to be significantly overrepresented in individuals with affected with hypertrophic cardiomyopathy (PMID: 27532257). To our knowledge, functional studies have not been reported for this variant. This variant has been reported in over 40 individuals affected with hypertrophic cardiomyopathy (PMID: 10725281, 20031618, 21576279, 22857948, 23712688, 23782526, 25351510, 25611685, 27247418, 27532257, 28408708, 28615295, 28790153, 29300372, 30297972, 32815737, 32894683, 32968017, 33495596, 33495597, 33673806, 34542152, 35026164, 38528054, 38757491). In a study of a large cohort of individuals affected with hypertrophic cardiomyopathy, this variant was observed in 14 individuals out of a total of 6112 affected individuals (PMID: 27532257). It has been shown that this variant segregates with disease in 7 affected individuals across 5 families (ClinVar SCV000564432.5). This variant has not been identified in the general population by the Genome Aggregation Database (gnomAD). Based on the available evidence, this variant is classified as Pathogenic.

Blueprint Genetics
Classification: Pathogenic for MYH7-related disorders. Last evaluated: 2024-05-10. Review status: criteria provided, single submitter. Criteria: ACMG Guidelines, 2015. Collection method: clinical testing. Allele origin: germline. Affected: yes. Observed: 2 variant alleles. Not counted in ClinVar's aggregate classification.

CHEO Genetics Diagnostic Laboratory, Children's Hospital of Eastern Ontario
Classification: Pathogenic for Cardiomyopathy. Last evaluated: 2022-09-14. Review status: criteria provided, single submitter. Criteria: ACMG Guidelines, 2015. Collection method: clinical testing. Allele origin: germline. Not counted in ClinVar's aggregate classification.

Laboratory for Molecular Medicine, Mass General Brigham Personalized Medicine
Classification: Likely pathogenic for Hypertrophic cardiomyopathy. Last evaluated: 2021-03-31. Review status: criteria provided, single submitter. Criteria: LMM Criteria. Collection method: clinical testing. Allele origin: germline. Inheritance: Autosomal dominant inheritance. Observed: 5 variant alleles. Not counted in ClinVar's aggregate classification.
Comment: The p.Lys847Glu variant in MYH7 has been reported in >15 individuals with hypertrophic cardiomyopathy (Fananapazir 1999 PMID: 10328076, Atiga 2000 PMID: 10725281, Kaski 2009 PMID: 20031618, Leung 2013 PMID: 23271734, Nunez 2013 PMID: 23782526, Walsh 2017 PMID: 27532257, Kelly 2018 PMID: 29300372, LMM data). It was absent from large population studies. Computational prediction tools and conservation analyses suggest that this variant may impact the protein, though this information is not predictive enough to determine pathogenicity. This variant lies in the head region of the protein and missense variants in this region are statistically more likely to be disease-associated (Walsh 2017 PMID 27532257). Finally, this variant was classified as Likely Pathogenic on December 15, 2016 by the ClinGen-approved Inherited Cardiomyopathy Variant Curation expert panel (Variation ID 177757). In summary, although additional studies are required to fully establish its clinical significance, this variant meets criteria to be classified as likely pathogenic for autosomal dominant hypertrophic cardiomyopathy. ACMG/AMP Criteria applied: PS4, PM1, PM2_Supporting, PP3.

Women's Health and Genetics/Laboratory Corporation of America, LabCorp
Classification: Pathogenic for Primary familial hypertrophic cardiomyopathy. Last evaluated: 2019-10-07. Review status: criteria provided, single submitter. Criteria: LabCorp Variant Classification Summary - May 2015. Collection method: clinical testing. Allele origin: germline. Not counted in ClinVar's aggregate classification.
Comment: Variant summary: MYH7 c.2539A>G (p.Lys847Glu) results in a conservative amino acid change located in the Myosin tail domain (IPR002928) of the encoded protein sequence. Three of five in-silico tools predict a damaging effect of the variant on protein function. The variant was absent in 252322 control chromosomes. c.2539A>G has been reported in the literature in multiple individuals affected with Hypertrophic Cardiomyopathy (example Atiga_2007, Brito_2012, Kaski_2009, Leung_2013, Marston_2013, Nunez_2013, Homburger_2016, Walsh_2017, Ross_2017). These data indicate that the variant is very likely to be associated with disease. Two publications report experimental evidence evaluating an impact on protein function, however, none of these studies allows convincing conclusions about the variant effect (Leung_2013, Marston_2013). Four clinical diagnostic laboratories and one expert panel (ClinGen) have submitted clinical-significance assessments for this variant to ClinVar after 2014 without evidence for independent evaluation. All submitters classified the variant as pathogenic (n=1)/likely pathogenic (n=4). The expert panel classification as likely pathogenic may represent an outdated submission (2016). Based on the evidence outlined above, the variant was classified as pathogenic.

Agnes Ginges Centre for Molecular Cardiology, Centenary Institute
Classification: Likely pathogenic for Hypertrophic cardiomyopathy 1. Last evaluated: 2015-04-22. Review status: criteria provided, single submitter. Criteria: Agnes Ginges Centre for Molecular Cardiology criteria (2015). Collection method: research. Allele origin: germline. Inheritance: Autosomal dominant inheritance. Affected: yes. Not counted in ClinVar's aggregate classification.
Comment: The MYH7 Lys847Glu variant has been reported in multiple unrelated HCM patients (Atiga 2000 , Kaski 2009, Aletras 2011, Brito 2012, Leung 2013, Nunez 2013) and was absent in large population studies of >200 normal controls (Brito D et al., 2012; Nunez L et al., 2013; Kaski J et al., 2009). This variant has been identified in childhood HCM (Kaski, 2009) as well as adult-onset HCM (see references). This variant is also absent from both the 1000 genomes project and the from the large Exome Aggregation Consortium dataset. Lysine (Lys) at position 847 is highly conserved across distantly related species, and in silico tools including SIFT, MutationTaster, and PolyPhen2, predict that the amino acid change to be "damaging". Additionally, a tool specifically designed to predict the effects of missense variants in HCM genes (Jordan DM, et al., 2011), predicts that this MYH7 Lys847Glu variant is causative of the disease. Based on the absence of this variant in the general population, predictions from a number of in silico models, and the presence of this variant in multiple unrelated HCM patients in independent studies, we classify this variant as "likely pathogenic". Further supporting evidence such as segregation data and/or functional analysis will be required to reclassify this variant as pathogenic.

Literature cited by the submitters: PubMed 29300372 (cited by 5 submitters); PubMed 20031618 (cited by 7 submitters); PubMed 22857948 (cited by 4 submitters); PubMed 23782526 (cited by 7 submitters); PubMed 27247418 (cited by 5 submitters); PubMed 27532257 (cited by 6 submitters); PubMed 28615295 (cited by 4 submitters); PubMed 24714796 (cited by Victorian Clinical Genetics Services, Murdoch Childrens Research Institute); PubMed 10725281 (cited by 6 submitters); PubMed 25351510 (cited by 3 submitters); PubMed 28408708 (cited by Ambry Genetics and Color Diagnostics, LLC DBA Color Health); PubMed 32968017 (cited by Ambry Genetics and Color Diagnostics, LLC DBA Color Health); PubMed 33673806 (cited by Ambry Genetics and Color Diagnostics, LLC DBA Color Health); PubMed 21576279 (cited by 3 submitters); PubMed 23712688 (cited by 3 submitters); PubMed 25611685 (cited by Color Diagnostics, LLC DBA Color Health); PubMed 28790153 (cited by Color Diagnostics, LLC DBA Color Health); PubMed 30297972 (cited by Color Diagnostics, LLC DBA Color Health); PubMed 32815737 (cited by Color Diagnostics, LLC DBA Color Health); PubMed 32894683 (cited by Color Diagnostics, LLC DBA Color Health); PubMed 33495596 (cited by Color Diagnostics, LLC DBA Color Health); PubMed 33495597 (cited by Color Diagnostics, LLC DBA Color Health); PubMed 34542152 (cited by Color Diagnostics, LLC DBA Color Health); PubMed 35026164 (cited by Color Diagnostics, LLC DBA Color Health); PubMed 38528054 (cited by Color Diagnostics, LLC DBA Color Health); PubMed 38757491 (cited by Color Diagnostics, LLC DBA Color Health); PubMed 10328076 (cited by Laboratory for Molecular Medicine, Mass General Brigham Personalized Medicine and Women's Health and Genetics/Laboratory Corporation of America, LabCorp); PubMed 23271734 (cited by 3 submitters); PubMed 31006259 (cited by Laboratory for Molecular Medicine, Mass General Brigham Personalized Medicine); PubMed 15358028 (cited by Agnes Ginges Centre for Molecular Cardiology, Centenary Institute).